The following is an entry in ClinVar:

ClinVar aggregate classification (germline): Uncertain significance (1 of 4 stars; one submission).

Conditions:
Charcot-Marie-Tooth disease X-linked dominant 6. Also called: CHARCOT-MARIE-TOOTH NEUROPATHY, X-LINKED DOMINANT, 6. Identifiers: Orphanet 352675, MedGen C3806702, MONDO:0010479, OMIM 300905.

Submission:

Labcorp Genetics (formerly Invitae), Labcorp
Classification: Uncertain significance for Charcot-Marie-Tooth disease X-linked dominant 6. Last evaluated: 2022-02-24. Review status: criteria provided, single submitter. Criteria: Invitae Variant Classification Sherloc (09022015). Collection method: clinical testing. Allele origin: germline.
Comment: In summary, the available evidence is currently insufficient to determine the role of this variant in disease. Therefore, it has been classified as a Variant of Uncertain Significance. Algorithms developed to predict the effect of missense changes on protein structure and function (SIFT, PolyPhen-2, Align-GVGD) all suggest that this variant is likely to be tolerated. This variant has not been reported in the literature in individuals affected with PDK3-related conditions. This variant is not present in population databases (gnomAD no frequency). This sequence change replaces tryptophan, which is neutral and slightly polar, with cysteine, which is neutral and slightly polar, at codon 6 of the PDK3 protein (p.Trp6Cys).

NM_005391.5(PDK3):c.18G>C (p.Trp6Cys)

Gene: PDK3 (pyruvate dehydrogenase kinase 3; plus strand). Cytogenetic location: Xp22.11.
Variant type: single nucleotide variant.
Coding change: c.18G>C on transcript NM_005391.5 (MANE Select); coding-DNA position 18, G replaced by C.
Protein change: p.Trp6Cys; replaces tryptophan 6 with cysteine.
Molecular consequence: missense variant.
Genome position (GRCh38, 1-based): chrX:24,465,473, G>C. VCF-style: chrX-24465473-G-C. GRCh37 (hg19) VCF-style: chrX-24483590-G-C.
Other names: c.18G>C, p.Trp6Cys (NM_001142386.3); short protein forms W6C.
Identifiers: ClinVar variation 1517706 (VCV001517706.6), dbSNP rs2148176546, ClinGen allele CA412603122.